The following is an entry in ClinVar:

ClinVar aggregate classification (germline): Uncertain significance (1 of 4 stars; one submission).

gnomAD v4.1: 15 of 1,187,801 alleles (0.0013%); highest among the groups gnomAD compares: African/African-American, 0.0052%; no homozygotes.

Submission:

Labcorp Genetics (formerly Invitae), Labcorp
Classification: Uncertain significance. Last evaluated: 2025-07-13. Review status: criteria provided, single submitter. Criteria: Invitae Variant Classification Sherloc (09022015). Collection method: clinical testing. Allele origin: germline.
Comment: This sequence change replaces alanine, which is neutral and non-polar, with valine, which is neutral and non-polar, at codon 491 of the CACNA1F protein (p.Ala491Val). This variant is present in population databases (rs375228906, gnomAD 0.02%). This variant has not been reported in the literature in individuals affected with CACNA1F-related conditions. Invitae Evidence Modeling of protein sequence and biophysical properties (such as structural, functional, and spatial information, amino acid conservation, physicochemical variation, residue mobility, and thermodynamic stability) indicates that this missense variant is not expected to disrupt CACNA1F protein function with a negative predictive value of 80%. In summary, the available evidence is currently insufficient to determine the role of this variant in disease. Therefore, it has been classified as a Variant of Uncertain Significance.

NM_001256789.3(CACNA1F):c.1439C>T (p.Ala480Val)

Gene: CACNA1F (calcium voltage-gated channel subunit alpha1 F; minus strand). Cytogenetic location: Xp11.23.
Variant type: single nucleotide variant.
Coding change: c.1439C>T on transcript NM_001256789.3 (MANE Select); coding-DNA position 1439, C replaced by T.
Protein change: p.Ala480Val; replaces alanine 480 with valine.
Molecular consequence: missense variant.
Genome position (GRCh38, 1-based): chrX:49,226,433, G>A on the plus strand (C>T on the coding strand, the complement: CACNA1F is on the minus strand). VCF-style: chrX-49226433-G-A. GRCh37 (hg19) VCF-style: chrX-49082895-G-A.
Other names: c.1277C>T, p.Ala426Val (NM_001256790.3); c.1472C>T, p.Ala491Val (NM_005183.4); short protein forms A491V, A480V, A426V.
Identifiers: ClinVar variation 4695373 (VCV004695373.1).
Genomic context (GRCh38, chrX:49,226,433, plus strand): 5'-GGCTTCTGGGCTGGGTCAGGGGCTGGGGGCCCTCACAGGCAGCGTGTACAGCTGGCCAGA[G>A]CCCCCTCCTCCTCATCCTCATCGCCTTGGGTCTCTGTCATGGAACCGGTGTCACTGGCTG-3'
Protein context (NP_001243718.1, residues 470-490): TQGDEDEEEG[Ala480Val]LASCTRCLNK